The following is an entry in ClinVar:

NM_001025159.3(CD74):c.881-3C>T

Gene: CD74 (CD74 molecule; minus strand). Cytogenetic location: 5q33.1.
Variant type: single nucleotide variant.
Coding change: c.881-3C>T on transcript NM_001025159.3 (MANE Select); 3 bases into the intron before coding-DNA position 881, C replaced by T.
Molecular consequence: intron variant.
Genome position (GRCh38, 1-based): chr5:150,402,253, G>A on the plus strand (C>T on the coding strand, the complement: CD74 is on the minus strand). VCF-style: chr5-150402253-G-A. GRCh37 (hg19) VCF-style: chr5-149781816-G-A.
Other names: NC_000005.9:g.149781816G>A; c.626-3C>T (NM_001364083.3); c.*22-3C>T (NM_001025158.3, NM_001364084.3); c.689-3C>T (NM_004355.4).
Identifiers: ClinVar variation 2655932 (VCV002655932.25), dbSNP rs142001873, ClinGen allele CA3511807.
Genomic context (GRCh38, chr5:150,402,253, plus strand): 5'-GTAGCTGTGTGGGGCTGGCAGGATGTTGAAGACCGCCTCTGCTGCTCTCACATGGGGACT[G>A]GAGAGAGAAGCAGCAGGTTGAGGTTGGGGTCACCCATTTGTTGTCCCTGCCCCTTTCTAA-3'

ClinVar aggregate classification (germline): Likely benign (1 of 4 stars; one submission).

Allele frequency attached by ClinVar (database versions not stated): 1000 Genomes Project 30x 0.00156; ESP Exome Variant Server 0.00159; 1000 Genomes Project 0.00160; TOPMed 0.00194; gnomAD 0.00235; ExAC 0.00398.
gnomAD v4.1: 4,715 of 1,593,002 alleles (0.3%); highest among the groups gnomAD compares: Middle Eastern, 0.56%; 21 homozygotes.

Submissions (22):

CeGaT Center for Human Genetics Tuebingen
Classification: Likely benign. Last evaluated: 2022-07-01. Review status: criteria provided, single submitter. Criteria: CeGaT Center For Human Genetics Tuebingen Variant Classification Criteria Version 2. Collection method: clinical testing. Allele origin: germline. Affected: yes. Observed: 1 variant allele.
Comment: CD74: BP4, BS2

Dr. Peter K. Rogan Lab, Western University
No classification provided (evidence only). Condition: Lung cancer. Review status: no classification provided. Collection method: in vitro. Allele origin: not applicable. Functional consequence: retained intron. Not counted in ClinVar's aggregate classification.

Dr. Peter K. Rogan Lab, Western University
No classification provided (evidence only). Condition: Lung cancer. Review status: no classification provided. Collection method: in vitro. Allele origin: not applicable. Functional consequence: retained intron. Not counted in ClinVar's aggregate classification.

Dr. Peter K. Rogan Lab, Western University
No classification provided (evidence only). Condition: Familial cancer of breast. Review status: no classification provided. Collection method: in vitro. Allele origin: not applicable. Functional consequence: retained intron. Not counted in ClinVar's aggregate classification.

Dr. Peter K. Rogan Lab, Western University
No classification provided (evidence only). Condition: Familial cancer of breast. Review status: no classification provided. Collection method: in vitro. Allele origin: not applicable. Functional consequence: retained intron. Not counted in ClinVar's aggregate classification.

Dr. Peter K. Rogan Lab, Western University
No classification provided (evidence only). Condition: Familial cancer of breast. Review status: no classification provided. Collection method: in vitro. Allele origin: not applicable. Functional consequence: retained intron. Not counted in ClinVar's aggregate classification.

Dr. Peter K. Rogan Lab, Western University
No classification provided (evidence only). Condition: Acute myeloid leukemia. Review status: no classification provided. Collection method: in vitro. Allele origin: not applicable. Functional consequence: retained intron. Not counted in ClinVar's aggregate classification.

Dr. Peter K. Rogan Lab, Western University
No classification provided (evidence only). Condition: Colon adenocarcinoma. Review status: no classification provided. Collection method: in vitro. Allele origin: not applicable. Functional consequence: retained intron. Not counted in ClinVar's aggregate classification.

Dr. Peter K. Rogan Lab, Western University
No classification provided (evidence only). Condition: Colorectal cancer. Review status: no classification provided. Collection method: in vitro. Allele origin: not applicable. Functional consequence: retained intron. Not counted in ClinVar's aggregate classification.

Dr. Peter K. Rogan Lab, Western University
No classification provided (evidence only). Condition: Thyroid cancer, nonmedullary, 1. Review status: no classification provided. Collection method: in vitro. Allele origin: not applicable. Functional consequence: retained intron. Not counted in ClinVar's aggregate classification.

Dr. Peter K. Rogan Lab, Western University
No classification provided (evidence only). Condition: Thyroid cancer, nonmedullary, 1. Review status: no classification provided. Collection method: in vitro. Allele origin: not applicable. Functional consequence: retained intron. Not counted in ClinVar's aggregate classification.

Dr. Peter K. Rogan Lab, Western University
No classification provided (evidence only). Condition: Uterine corpus endometrial carcinoma. Review status: no classification provided. Collection method: in vitro. Allele origin: not applicable. Functional consequence: retained intron. Not counted in ClinVar's aggregate classification.

Dr. Peter K. Rogan Lab, Western University
No classification provided (evidence only). Condition: Uterine corpus endometrial carcinoma. Review status: no classification provided. Collection method: in vitro. Allele origin: not applicable. Functional consequence: retained intron. Not counted in ClinVar's aggregate classification.

Dr. Peter K. Rogan Lab, Western University
No classification provided (evidence only). Condition: Cervical cancer. Review status: no classification provided. Collection method: in vitro. Allele origin: not applicable. Functional consequence: retained intron. Not counted in ClinVar's aggregate classification.

Dr. Peter K. Rogan Lab, Western University
No classification provided (evidence only). Condition: Cervical cancer. Review status: no classification provided. Collection method: in vitro. Allele origin: not applicable. Functional consequence: retained intron. Not counted in ClinVar's aggregate classification.

Dr. Peter K. Rogan Lab, Western University
No classification provided (evidence only). Condition: Cervical cancer. Review status: no classification provided. Collection method: in vitro. Allele origin: not applicable. Functional consequence: retained intron. Not counted in ClinVar's aggregate classification.

Dr. Peter K. Rogan Lab, Western University
No classification provided (evidence only). Condition: Sarcoma. Review status: no classification provided. Collection method: in vitro. Allele origin: not applicable. Functional consequence: retained intron. Not counted in ClinVar's aggregate classification.

Dr. Peter K. Rogan Lab, Western University
No classification provided (evidence only). Condition: Nonpapillary renal cell carcinoma. Review status: no classification provided. Collection method: in vitro. Allele origin: not applicable. Functional consequence: retained intron. Not counted in ClinVar's aggregate classification.

Dr. Peter K. Rogan Lab, Western University
No classification provided (evidence only). Condition: Ovarian serous cystadenocarcinoma. Review status: no classification provided. Collection method: in vitro. Allele origin: not applicable. Functional consequence: retained intron. Not counted in ClinVar's aggregate classification.

Dr. Peter K. Rogan Lab, Western University
No classification provided (evidence only). Condition: Ovarian serous cystadenocarcinoma. Review status: no classification provided. Collection method: in vitro. Allele origin: not applicable. Functional consequence: retained intron. Not counted in ClinVar's aggregate classification.

Dr. Peter K. Rogan Lab, Western University
No classification provided (evidence only). Condition: Gastric cancer. Review status: no classification provided. Collection method: in vitro. Allele origin: not applicable. Functional consequence: retained intron. Not counted in ClinVar's aggregate classification.

Dr. Peter K. Rogan Lab, Western University
No classification provided (evidence only). Condition: Gastric cancer. Review status: no classification provided. Collection method: in vitro. Allele origin: not applicable. Functional consequence: retained intron. Not counted in ClinVar's aggregate classification.